The following is an entry in ClinVar:

NM_015338.6(ASXL1):c.2938A>G (p.Ile980Val)

Gene: ASXL1 (ASXL transcriptional regulator 1; plus strand). Cytogenetic location: 20q11.21.
Variant type: single nucleotide variant.
Coding change: c.2938A>G on transcript NM_015338.6 (MANE Select); coding-DNA position 2938, A replaced by G.
Protein change: p.Ile980Val; replaces isoleucine 980 with valine.
Molecular consequence: missense variant.
Genome position (GRCh38, 1-based): chr20:32,435,650, A>G. VCF-style: chr20-32435650-A-G. GRCh37 (hg19) VCF-style: chr20-31023453-A-G.
Other names: c.2755A>G, p.Ile919Val (NM_001363734.1); c.2938A>G (NM_015338.5); short protein forms I919V, I980V.
Identifiers: ClinVar variation 1488491 (VCV001488491.10), dbSNP rs765264117, ClinGen allele CA9808727.

ClinVar aggregate classification (germline): Conflicting classifications of pathogenicity. Review status: criteria provided, conflicting classifications (1 of 4 stars). 2 submissions from 2 submitters: Uncertain significance (1); Likely benign (1). Last evaluated 2024-11-28.

Conditions:
Inborn genetic diseases. Identifiers: MedGen C0950123, MeSH D030342.

Allele frequency attached by ClinVar (database versions not stated): gnomAD exomes below 0.00001; ExAC 0.00001; gnomAD 0.00001; TOPMed 0.00003.
gnomAD v4.1: 4 of 1,614,084 alleles (0.00025%); highest among the groups gnomAD compares: African/African-American, 0.004%; no homozygotes.

Submissions (2):

Ambry Genetics
Classification: Likely benign for Inborn genetic diseases. Last evaluated: 2024-11-28. Review status: criteria provided, single submitter. Criteria: Ambry Variant Classification Scheme 2023. Collection method: clinical testing. Allele origin: germline.

Labcorp Genetics (formerly Invitae), Labcorp
Classification: Uncertain significance. Last evaluated: 2021-03-14. Review status: criteria provided, single submitter. Criteria: Invitae Variant Classification Sherloc (09022015). Collection method: clinical testing. Allele origin: germline.
Comment: In summary, the available evidence is currently insufficient to determine the role of this variant in disease. Therefore, it has been classified as a Variant of Uncertain Significance. Algorithms developed to predict the effect of missense changes on protein structure and function output the following: SIFT: "Tolerated"; PolyPhen-2: "Benign"; Align-GVGD: "Class C0". The valine amino acid residue is found in multiple mammalian species, suggesting that this missense change does not adversely affect protein function. These predictions have not been confirmed by published functional studies and their clinical significance is uncertain. This variant has not been reported in the literature in individuals with ASXL1-related conditions. This variant is present in population databases (rs765264117, ExAC 0.01%). This sequence change replaces isoleucine with valine at codon 980 of the ASXL1 protein (p.Ile980Val). The isoleucine residue is weakly conserved and there is a small physicochemical difference between isoleucine and valine.